The following is an entry in ClinVar:

NM_032531.4(KIRREL3):c.1007G>A (p.Arg336Gln)

Gene: KIRREL3 (kirre like nephrin family adhesion molecule 3; minus strand). Cytogenetic location: 11q24.2.
Variant type: single nucleotide variant.
Coding change: c.1007G>A on transcript NM_032531.4 (MANE Select); coding-DNA position 1007, G replaced by A.
Protein change: p.Arg336Gln; replaces arginine 336 with glutamine.
Molecular consequence: missense variant.
Genome position (GRCh38, 1-based): chr11:126,446,877, C>T on the plus strand (G>A on the coding strand, the complement: KIRREL3 is on the minus strand). VCF-style: chr11-126446877-C-T. GRCh37 (hg19) VCF-style: chr11-126316772-C-T.
Other names: c.1007G>A, p.Arg336Gln (NM_001161707.2, NM_001301097.2); short protein forms R336Q.
Identifiers: ClinVar variation 2887 (VCV000002887.26), dbSNP rs114378922, ClinGen allele CA115829.

ClinVar aggregate classification (germline): Likely benign. Review status: criteria provided, single submitter (1 of 4 stars). 3 submissions from 3 submitters: Likely benign (1). 2 of the submissions do not count toward it. Last evaluated 2023-03-01.

Conditions:
KIRREL3-related disorder. Also called: KIRREL3-related condition.
Intellectual developmental disorder, autosomal dominant 4. Also called: Intellectual disability, autosomal dominant 4. Identifiers: MedGen C2675487, MONDO:0012947, OMIM 612581.

Allele frequency attached by ClinVar (database versions not stated): gnomAD 0.00089 and 0.00098; 1000 Genomes Project 0.00100; TOPMed 0.00109; gnomAD exomes 0.00025 and 0.00013; 1000 Genomes Project 30x 0.00094; ExAC 0.00042.
gnomAD v4.1: 340 of 1,605,176 alleles (0.021%); highest among the groups gnomAD compares: African/African-American, 0.33%; 1 homozygote.

Submissions (3):

CeGaT Center for Human Genetics Tuebingen
Classification: Likely benign. Last evaluated: 2023-03-01. Review status: criteria provided, single submitter. Criteria: CeGaT Center For Human Genetics Tuebingen Variant Classification Criteria Version 2. Collection method: clinical testing. Allele origin: germline. Affected: yes. Observed: 1 variant allele.
Comment: KIRREL3: BS2

PreventionGenetics, part of Exact Sciences
Classification: Likely benign for KIRREL3-related condition. Last evaluated: 2019-11-13. Review status: no assertion criteria provided. Collection method: clinical testing. Allele origin: germline. Not counted in ClinVar's aggregate classification.
Comment: This variant is classified as likely benign based on ACMG/AMP sequence variant interpretation guidelines (Richards et al. 2015 PMID: 25741868, with internal and published modifications).

OMIM
Classification: Uncertain significance for RECLASSIFIED - VARIANT OF UNKNOWN SIGNIFICANCE. Last evaluated: 2008-12-01. Review status: no assertion criteria provided. Collection method: literature only. Allele origin: germline. Not counted in ClinVar's aggregate classification.

Literature cited by the submitters: Hamosh, A. Personal Communication. 2018. Baltimore, Md. (cited by OMIM); PubMed 19012874 (cited by OMIM).